The following is an entry in ClinVar:

NM_025114.4(CEP290):c.5130del (p.Gln1711fs)

Gene: CEP290 (centrosomal protein 290; minus strand). Cytogenetic location: 12q21.32.
Variant type: Deletion.
Coding change: c.5130del on transcript NM_025114.4 (MANE Select); coding-DNA position 5130, one base deleted (T; older notation c.5130delT).
Protein change: p.Gln1711fs; shifts the reading frame from glutamine 1711.
Molecular consequence: frameshift variant.
Genome position (GRCh38, 1-based): chr12:88,080,278, A deleted on the plus strand (T on the coding strand, the reverse complement: CEP290 is on the minus strand). VCF-style (leftmost placement, unchanged base first): chr12-88080277-GA-G. GRCh37 (hg19) VCF-style: chr12-88474054-GA-G.
Other names: short protein forms Q1711fs.
Identifiers: ClinVar variation 2017616 (VCV002017616.4), dbSNP rs2499910412, ClinGen allele CA2580086829.

ClinVar aggregate classification (germline): Pathogenic (1 of 4 stars; one submission).

Conditions:
Joubert syndrome. Also called: CEREBELLOPARENCHYMAL DISORDER IV; JOUBERT-BOLTSHAUSER SYNDROME; Familial aplasia of the vermis. Identifiers: Orphanet 475, MedGen C5979921, MONDO:0018772.
Meckel-Gruber syndrome. Also called: DYSENCEPHALIA SPLANCHNOCYSTICA; GRUBER SYNDROME; Dysencephalia splachnocystica. Identifiers: Orphanet 564, MedGen C0265215, MONDO:0018921.
Nephronophthisis. Also called: Juvenile Nephronophthisis. Identifiers: Orphanet 655, MedGen C0687120, MONDO:0019005, HP:0000090.

Submission:

Labcorp Genetics (formerly Invitae), Labcorp
Classification: Pathogenic for Joubert syndrome; Meckel-Gruber syndrome; Nephronophthisis. Last evaluated: 2022-07-16. Review status: criteria provided, single submitter. Criteria: Invitae Variant Classification Sherloc (09022015). Collection method: clinical testing. Allele origin: germline.
Comment: This sequence change creates a premature translational stop signal (p.Gln1711Lysfs*13) in the CEP290 gene. It is expected to result in an absent or disrupted protein product. Loss-of-function variants in CEP290 are known to be pathogenic (PMID: 16909394, 17345604, 20690115). This variant is not present in population databases (gnomAD no frequency). This variant has not been reported in the literature in individuals affected with CEP290-related conditions. For these reasons, this variant has been classified as Pathogenic.

Literature cited by the submitters: PubMed 16909394; PubMed 17345604; PubMed 20690115.